The following is an entry in ClinVar:

NM_080680.3(COL11A2):c.4139C>G (p.Pro1380Arg)

Gene: COL11A2 (collagen type XI alpha 2 chain; minus strand). Cytogenetic location: 6p21.32.
Variant type: single nucleotide variant.
Coding change: c.4139C>G on transcript NM_080680.3 (MANE Select); coding-DNA position 4139, C replaced by G.
Protein change: p.Pro1380Arg; replaces proline 1380 with arginine.
Molecular consequence: missense variant.
Genome position (GRCh38, 1-based): chr6:33,167,301, G>C on the plus strand (C>G on the coding strand, the complement: COL11A2 is on the minus strand). VCF-style: chr6-33167301-G-C. GRCh37 (hg19) VCF-style: chr6-33135078-G-C.
Other names: c.3113C>G, p.Pro1038Arg (NM_001424111.1, NM_001424110.1); c.2093C>G, p.Pro698Arg (NM_001424112.1); c.3881C>G, p.Pro1294Arg (NM_080681.3); c.3818C>G, p.Pro1273Arg (NM_080679.3); c.3959C>G, p.Pro1320Arg (NM_001424108.1); c.3293C>G, p.Pro1098Arg (NM_001424109.1); short protein forms P1038R, P1098R, P1273R, P1294R, P1320R, P1380R, P698R.
Identifiers: ClinVar variation 3615814 (VCV003615814.2).

ClinVar aggregate classification (germline): Uncertain significance (1 of 4 stars; one submission).

Submission:

Labcorp Genetics (formerly Invitae), Labcorp
Classification: Uncertain significance. Last evaluated: 2024-12-10. Review status: criteria provided, single submitter. Criteria: Invitae Variant Classification Sherloc (09022015). Collection method: clinical testing. Allele origin: germline.
Comment: This sequence change replaces proline, which is neutral and non-polar, with arginine, which is basic and polar, at codon 1380 of the COL11A2 protein (p.Pro1380Arg). This variant is not present in population databases (gnomAD no frequency). This variant has not been reported in the literature in individuals affected with COL11A2-related conditions. Invitae Evidence Modeling of protein sequence and biophysical properties (such as structural, functional, and spatial information, amino acid conservation, physicochemical variation, residue mobility, and thermodynamic stability) indicates that this missense variant is not expected to disrupt COL11A2 protein function with a negative predictive value of 95%. In summary, the available evidence is currently insufficient to determine the role of this variant in disease. Therefore, it has been classified as a Variant of Uncertain Significance.